The following is an entry in ClinVar:

NM_000384.3(APOB):c.8027T>C (p.Ile2676Thr)

Gene: APOB (apolipoprotein B; minus strand). Cytogenetic location: 2p24.1.
Variant type: single nucleotide variant.
Coding change: c.8027T>C on transcript NM_000384.3 (MANE Select); coding-DNA position 8027, T replaced by C.
Protein change: p.Ile2676Thr; replaces isoleucine 2676 with threonine.
Molecular consequence: missense variant.
Genome position (GRCh38, 1-based): chr2:21,008,841, A>G on the plus strand (T>C on the coding strand, the complement: APOB is on the minus strand). VCF-style: chr2-21008841-A-G. GRCh37 (hg19) VCF-style: chr2-21231713-A-G.
Other names: short protein forms I2676T.
Identifiers: ClinVar variation 4072663 (VCV004072663.1).

ClinVar aggregate classification (germline): Uncertain significance (1 of 4 stars; one submission).

Submission:

GeneDx
Classification: Uncertain significance. Last evaluated: 2025-01-31. Review status: criteria provided, single submitter. Criteria: GeneDx Variant Classification Process June 2021. Collection method: clinical testing. Allele origin: germline. Affected: yes.
Comment: Not observed at significant frequency in large population cohorts (gnomAD); In silico analysis supports that this missense variant has a deleterious effect on protein structure/function; Has not been previously published as pathogenic or benign to our knowledge